The following is an entry in ClinVar:

ClinVar aggregate classification (germline): Uncertain significance (1 of 4 stars; one submission).

Allele frequency attached by ClinVar (database versions not stated): ExAC 0.00001; gnomAD 0.00001; 1000 Genomes Project 30x 0.00016; 1000 Genomes Project 0.00020.

Submission:

Labcorp Genetics (formerly Invitae), Labcorp
Classification: Uncertain significance. Last evaluated: 2022-08-16. Review status: criteria provided, single submitter. Criteria: Invitae Variant Classification Sherloc (09022015). Collection method: clinical testing. Allele origin: germline.
Comment: This sequence change replaces aspartic acid, which is acidic and polar, with histidine, which is basic and polar, at codon 484 of the UNC45A protein (p.Asp484His). This variant is present in population databases (rs201538504, gnomAD 0.005%). In summary, the available evidence is currently insufficient to determine the role of this variant in disease. Therefore, it has been classified as a Variant of Uncertain Significance. This variant has not been reported in the literature in individuals affected with UNC45A-related conditions. ClinVar contains an entry for this variant (Variation ID: 1497403). Algorithms developed to predict the effect of missense changes on protein structure and function are either unavailable or do not agree on the potential impact of this missense change (SIFT: "Not Available"; PolyPhen-2: "Possibly Damaging"; Align-GVGD: "Not Available").

NM_018671.5(UNC45A):c.1450G>C (p.Asp484His)

Gene: UNC45A (unc-45 myosin chaperone A; plus strand). Cytogenetic location: 15q26.1.
Variant type: single nucleotide variant.
Coding change: c.1450G>C on transcript NM_018671.5 (MANE Select); coding-DNA position 1450, G replaced by C.
Protein change: p.Asp484His; replaces aspartic acid 484 with histidine.
Molecular consequence: missense variant.
Genome position (GRCh38, 1-based): chr15:90,946,864, G>C. VCF-style: chr15-90946864-G-C. GRCh37 (hg19) VCF-style: chr15-91490094-G-C.
Other names: c.1405G>C, p.Asp469His (NM_001039675.2, NM_001323621.2); c.1450G>C, p.Asp484His (NM_001323619.1); c.1015G>C, p.Asp339His (NM_001323620.2); short protein forms D469H, D339H, D484H.
Identifiers: ClinVar variation 1497403 (VCV001497403.6), dbSNP rs201538504, ClinGen allele CA7742904.